The following is an entry in ClinVar:

NM_006059.4(LAMC3):c.4159G>T (p.Ala1387Ser)

Gene: LAMC3 (laminin subunit gamma 3; plus strand). Cytogenetic location: 9q34.12.
Variant type: single nucleotide variant.
Coding change: c.4159G>T on transcript NM_006059.4 (MANE Select); coding-DNA position 4159, G replaced by T.
Protein change: p.Ala1387Ser; replaces alanine 1387 with serine.
Molecular consequence: missense variant.
Genome position (GRCh38, 1-based): chr9:131,085,652, G>T. VCF-style: chr9-131085652-G-T. GRCh37 (hg19) VCF-style: chr9-133961039-G-T.
Other names: short protein forms A1387S.
Identifiers: ClinVar variation 1436809 (VCV001436809.6), dbSNP rs769688460, ClinGen allele CA375264668.
Genomic context (GRCh38, chr9:131,085,652, plus strand): 5'-GACAGACTCCTTGCAGACACGAGAAAGAAGACCAAGCAGGCGGAGAGGATGCTGGGAAAC[G>T]CGGCCCCTCTTTCCTCCAGTGCCAAGAAGAAGGGCAGAGAAGCAGAGGTGTTGGCCAAGG-3'
Protein context (NP_006050.3, residues 1377-1397): TKQAERMLGN[Ala1387Ser]APLSSSAKKK

ClinVar aggregate classification (germline): Uncertain significance (1 of 4 stars; one submission).

Submission:

Labcorp Genetics (formerly Invitae), Labcorp
Classification: Uncertain significance. Last evaluated: 2025-07-21. Review status: criteria provided, single submitter. Criteria: Invitae Variant Classification Sherloc (09022015). Collection method: clinical testing. Allele origin: germline.
Comment: This sequence change replaces alanine, which is neutral and non-polar, with serine, which is neutral and polar, at codon 1387 of the LAMC3 protein (p.Ala1387Ser). This variant is not present in population databases (gnomAD no frequency). This variant has not been reported in the literature in individuals affected with LAMC3-related conditions. ClinVar contains an entry for this variant (Variation ID: 1436809). An algorithm developed to predict the effect of missense changes on protein structure and function outputs the following: PolyPhen-2: "Benign". The serine amino acid residue is found in multiple mammalian species, which suggests that this missense change does not adversely affect protein function. In summary, the available evidence is currently insufficient to determine the role of this variant in disease. Therefore, it has been classified as a Variant of Uncertain Significance.